The following is an entry in ClinVar:

NM_006846.4(SPINK5):c.551G>A (p.Gly184Asp)

Gene: SPINK5 (serine peptidase inhibitor Kazal type 5; plus strand). Cytogenetic location: 5q32.
Variant type: single nucleotide variant.
Coding change: c.551G>A on transcript NM_006846.4 (MANE Select); coding-DNA position 551, G replaced by A.
Protein change: p.Gly184Asp; replaces glycine 184 with aspartic acid.
Molecular consequence: missense variant.
Genome position (GRCh38, 1-based): chr5:148,089,570, G>A. VCF-style: chr5-148089570-G-A. GRCh37 (hg19) VCF-style: chr5-147469133-G-A.
Other names: c.551G>A, p.Gly184Asp (NM_001127698.2, NM_001127699.2); short protein forms G184D.
Identifiers: ClinVar variation 651161 (VCV000651161.13), dbSNP rs201812473, ClinGen allele CA3495258.
Genomic context (GRCh38, chr5:148,089,570, plus strand): 5'-TTCGGCCCTTTGTTAGAGATGGAAGACTTGGATGCACAAGGGAAAATGATCCTGTTCTTG[G>A]TCCTGATGGGAAGACGCATGGCAATAAGTGTGCAATGTGTGCTGAGCTGTTGTAAGTAGC-3'
Protein context (NP_006837.2, residues 174-194): GCTRENDPVL[Gly184Asp]PDGKTHGNKC

ClinVar aggregate classification (germline): Uncertain significance. Review status: criteria provided, single submitter (1 of 4 stars). 2 submissions from 2 submitters: Uncertain significance (1). 1 of the submissions does not count toward it. Last evaluated 2025-09-08.

Conditions:
Susceptibility to nonsyndromic otitis media.
Ichthyosis linearis circumflexa. Identifiers: MedGen C0265962, MONDO:0043106, HP:0025810.

Allele frequency attached by ClinVar (database versions not stated): TOPMed 0.00002; gnomAD 0.00023 and 0.00024.
gnomAD v4.1: 158 of 1,612,046 alleles (0.0098%); highest among the groups gnomAD compares: Non-Finnish European, 0.0056%; no homozygotes.

Submissions (2):

Labcorp Genetics (formerly Invitae), Labcorp
Classification: Uncertain significance for Ichthyosis linearis circumflexa. Last evaluated: 2025-09-08. Review status: criteria provided, single submitter. Criteria: Invitae Variant Classification Sherloc (09022015). Collection method: clinical testing. Allele origin: germline.
Comment: This sequence change replaces glycine, which is neutral and non-polar, with aspartic acid, which is acidic and polar, at codon 184 of the SPINK5 protein (p.Gly184Asp). This variant is present in population databases (rs201812473, gnomAD 0.1%). This variant has not been reported in the literature in individuals affected with SPINK5-related conditions. ClinVar contains an entry for this variant (Variation ID: 651161). Invitae Evidence Modeling of protein sequence and biophysical properties (such as structural, functional, and spatial information, amino acid conservation, physicochemical variation, residue mobility, and thermodynamic stability) has been performed for this missense variant. However, the output from this modeling did not meet the statistical confidence thresholds required to predict the impact of this variant on SPINK5 protein function. In summary, the available evidence is currently insufficient to determine the role of this variant in disease. Therefore, it has been classified as a Variant of Uncertain Significance.

Santos-Cortez Lab, University of Colorado School of Medicine
Classification: Uncertain significance for Susceptibility to nonsyndromic otitis media. Last evaluated: 2020-04-18. Review status: no assertion criteria provided. Collection method: research. Allele origin: germline. Affected: yes. Not counted in ClinVar's aggregate classification.